The following is an entry in ClinVar:

NM_001079866.2(BCS1L):c.1057G>A (p.Val353Met)

Gene: BCS1L (BCS1 ubiquinol-cytochrome c reductase complex chaperone; plus strand). Cytogenetic location: 2q35.
Variant type: single nucleotide variant.
Coding change: c.1057G>A on transcript NM_001079866.2 (MANE Select); coding-DNA position 1057, G replaced by A.
Protein change: p.Val353Met; replaces valine 353 with methionine.
Molecular consequence: missense variant. On other transcripts: non-coding transcript variant (1).
Genome position (GRCh38, 1-based): chr2:218,663,183, G>A. VCF-style: chr2-218663183-G-A. GRCh37 (hg19) VCF-style: chr2-219527906-G-A.
Other names: c.1057G>A, p.Val353Met (NM_001257342.2, NM_001257343.2, NM_001257344.2 and 10 more transcripts); c.697G>A, p.Val233Met (NM_001318836.2, NM_001371451.1); c.556G>A, p.Val186Met (NM_001371452.1, NM_001371453.1, NM_001371454.1 and 3 more transcripts); short protein forms V353M, V233M, V186M.
Identifiers: ClinVar variation 6166 (VCV000006166.8), dbSNP rs121908574, ClinGen allele CA117999.

ClinVar aggregate classification (germline): Conflicting classifications of pathogenicity. Review status: criteria provided, conflicting classifications (1 of 4 stars). 4 submissions from 4 submitters: Likely pathogenic (1); Uncertain significance (2). 1 of the submissions does not count toward it. Last evaluated 2024-05-21.

Conditions:
GRACILE syndrome (FLNMS). Also called: FELLMAN SYNDROME; FINNISH LETHAL NEONATAL METABOLIC SYNDROME. Identifiers: Orphanet 53693, MedGen C1864002, MONDO:0011308, OMIM 603358.
Mitochondrial complex III deficiency nuclear type 1. Identifiers: Orphanet 254902, MedGen C3541471, MONDO:0007415, OMIM 124000.
Pili torti-deafness syndrome (BJS). Also called: Bjornstad syndrome; PILI TORTI AND NERVE DEAFNESS. Identifiers: Orphanet 123, MedGen C0266006, MONDO:0009872, OMIM 262000.

Allele frequency attached by ClinVar (database versions not stated): gnomAD 0.00001; TOPMed 0.00001; ExAC 0.00002; gnomAD exomes 0.00002.

Submissions (4):

Fulgent Genetics
Classification: Uncertain significance for Mitochondrial complex III deficiency nuclear type 1; Pili torti-deafness syndrome; GRACILE syndrome. Last evaluated: 2024-05-21. Review status: criteria provided, single submitter. Criteria: ACMG Guidelines, 2015. Collection method: clinical testing. Allele origin: germline.

Baylor Genetics
Classification: Likely pathogenic for Pili torti-deafness syndrome. Last evaluated: 2024-03-28. Review status: criteria provided, single submitter. Criteria: ACMG Guidelines, 2015. Collection method: clinical testing. Allele origin: unknown.

Labcorp Genetics (formerly Invitae), Labcorp
Classification: Uncertain significance. Last evaluated: 2021-09-17. Review status: criteria provided, single submitter. Criteria: Invitae Variant Classification Sherloc (09022015). Collection method: clinical testing. Allele origin: germline.
Comment: This sequence change replaces valine with methionine at codon 353 of the BCS1L protein (p.Val353Met). The valine residue is moderately conserved and there is a small physicochemical difference between valine and methionine. This variant is present in population databases (rs121908574, ExAC 0.004%). This variant has been observed in individual(s) with mitochondrial complex III deficiency (PMID: 11528392). ClinVar contains an entry for this variant (Variation ID: 6166). Advanced modeling of protein sequence and biophysical properties (such as structural, functional, and spatial information, amino acid conservation, physicochemical variation, residue mobility, and thermodynamic stability) performed at Invitae indicates that this missense variant is expected to disrupt BCS1L protein function. Experimental studies have shown that this variant affects BCS1L protein function (PMID: 11528392). In summary, the available evidence is currently insufficient to determine the role of this variant in disease. Therefore, it has been classified as a Variant of Uncertain Significance.

OMIM
Classification: Pathogenic for MITOCHONDRIAL COMPLEX III DEFICIENCY, NUCLEAR TYPE 1. Last evaluated: 2001-09-01. Review status: no assertion criteria provided. Collection method: literature only. Allele origin: germline. Not counted in ClinVar's aggregate classification.

Literature cited by the submitters: PubMed 11528392 (cited by Labcorp Genetics (formerly Invitae), Labcorp and OMIM).